The following is an entry in ClinVar:

NM_001109809.5(ZFP57):c.820C>T (p.Leu274Phe)

Gene: ZFP57 (ZFP57 zinc finger protein; minus strand). Cytogenetic location: 6p22.1.
Variant type: single nucleotide variant.
Coding change: c.820C>T on transcript NM_001109809.5 (MANE Select); coding-DNA position 820, C replaced by T.
Protein change: p.Leu274Phe; replaces leucine 274 with phenylalanine.
Molecular consequence: missense variant.
Genome position (GRCh38, 1-based): chr6:29,673,291, G>A on the plus strand (C>T on the coding strand, the complement: ZFP57 is on the minus strand). VCF-style: chr6-29673291-G-A. GRCh37 (hg19) VCF-style: chr6-29641068-G-A.
Other names: c.604C>T, p.Leu202Phe (NM_001366333.2); short protein forms L274F, L202F.
Identifiers: ClinVar variation 1449415 (VCV001449415.6), dbSNP rs2127544474, ClinGen allele CA363045274.

ClinVar aggregate classification (germline): Uncertain significance (1 of 4 stars; one submission).

Submission:

Labcorp Genetics (formerly Invitae), Labcorp
Classification: Uncertain significance. Last evaluated: 2021-08-03. Review status: criteria provided, single submitter. Criteria: Invitae Variant Classification Sherloc (09022015). Collection method: clinical testing. Allele origin: germline.
Comment: This sequence change replaces leucine with phenylalanine at codon 274 of the ZFP57 protein (p.Leu274Phe). The leucine residue is highly conserved and there is a small physicochemical difference between leucine and phenylalanine. In summary, the available evidence is currently insufficient to determine the role of this variant in disease. Therefore, it has been classified as a Variant of Uncertain Significance. Algorithms developed to predict the effect of missense changes on protein structure and function are either unavailable or do not agree on the potential impact of this missense change (SIFT: "Not Available"; PolyPhen-2: "Probably Damaging"; Align-GVGD: "Not Available"). This variant is also known as 760C>T L254F. This missense change has been observed in individual(s) with transient neonatal diabetes (PMID: 23150280). This variant is not present in population databases (ExAC no frequency).

Literature cited by the submitters: PubMed 23150280.